The following is an entry in ClinVar:

ClinVar aggregate classification (germline): Uncertain significance. Review status: criteria provided, multiple submitters, no conflicts (2 of 4 stars). 2 submissions from 2 submitters: Uncertain significance (2). Last evaluated 2025-03-08.

Conditions:
Inborn genetic diseases. Identifiers: MedGen C0950123, MeSH D030342.
Fanconi anemia (FA). Also called: Fanconi's anemia. Identifiers: Orphanet 84, MedGen C0015625, MeSH D005199, MONDO:0019391.

Allele frequency attached by ClinVar (database versions not stated): gnomAD exomes below 0.00001; TOPMed 0.00002.
gnomAD v4.1: 8 of 1,614,224 alleles (0.0005%); highest among the groups gnomAD compares: Non-Finnish European, 0.00051%; no homozygotes.

Submissions (2):

Ambry Genetics
Classification: Uncertain significance for Inborn genetic diseases. Last evaluated: 2025-03-08. Review status: criteria provided, single submitter. Criteria: Ambry Variant Classification Scheme 2023. Collection method: clinical testing. Allele origin: germline.
Comment: The p.L570F variant (also known as c.1708C>T), located in coding exon 13 of the FANCG gene, results from a C to T substitution at nucleotide position 1708. The leucine at codon 570 is replaced by phenylalanine, an amino acid with highly similar properties. This amino acid position is conserved. In addition, this alteration is predicted to be tolerated by in silico analysis. Based on the available evidence, the clinical significance of this variant remains unclear.

Labcorp Genetics (formerly Invitae), Labcorp
Classification: Uncertain significance for Fanconi anemia. Last evaluated: 2023-07-24. Review status: criteria provided, single submitter. Criteria: Invitae Variant Classification Sherloc (09022015). Collection method: clinical testing. Allele origin: germline.
Comment: In summary, the available evidence is currently insufficient to determine the role of this variant in disease. Therefore, it has been classified as a Variant of Uncertain Significance. Advanced modeling of protein sequence and biophysical properties (such as structural, functional, and spatial information, amino acid conservation, physicochemical variation, residue mobility, and thermodynamic stability) performed at Invitae indicates that this missense variant is not expected to disrupt FANCG protein function. This variant has not been reported in the literature in individuals affected with FANCG-related conditions. This variant is not present in population databases (gnomAD no frequency). This sequence change replaces leucine, which is neutral and non-polar, with phenylalanine, which is neutral and non-polar, at codon 570 of the FANCG protein (p.Leu570Phe).

NM_004629.2(FANCG):c.1708C>T (p.Leu570Phe)

Gene: FANCG (FA complementation group G; minus strand). Cytogenetic location: 9p13.3.
Variant type: single nucleotide variant.
Coding change: c.1708C>T on transcript NM_004629.2 (MANE Select); coding-DNA position 1708, C replaced by T.
Protein change: p.Leu570Phe; replaces leucine 570 with phenylalanine.
Molecular consequence: missense variant.
Genome position (GRCh38, 1-based): chr9:35,074,423, G>A on the plus strand (C>T on the coding strand, the complement: FANCG is on the minus strand). VCF-style: chr9-35074423-G-A. GRCh37 (hg19) VCF-style: chr9-35074420-G-A.
Other names: short protein forms L570F.
Identifiers: ClinVar variation 2916575 (VCV002916575.4), dbSNP rs1315856091, ClinGen allele CA373300710.